The following is an entry in ClinVar:

ClinVar aggregate classification (germline): Uncertain significance. Review status: criteria provided, multiple submitters, no conflicts (2 of 4 stars). 2 submissions from 2 submitters: Uncertain significance (2). Last evaluated 2025-11-24.

Conditions:
Familial cancer of breast. Also called: BREAST CANCER, FAMILIAL; Hereditary breast cancer; hereditary breast carcinoma. Identifiers: Orphanet 227535, MedGen C0346153, MONDO:0016419, OMIM 114480. Disease mechanism: loss of function.
Hereditary cancer-predisposing syndrome. Also called: Hereditary Cancer Syndrome; Neoplastic Syndromes, Hereditary; Tumor predisposition; Hereditary neoplastic syndrome. Identifiers: Orphanet 140162, MedGen C0027672, MeSH D009386, MONDO:0015356.

Submissions (2):

Ambry Genetics
Classification: Uncertain significance for Hereditary cancer-predisposing syndrome. Last evaluated: 2025-11-24. Review status: criteria provided, single submitter. Criteria: Ambry Variant Classification Scheme 2023. Collection method: clinical testing. Allele origin: germline.
Comment: The p.A237T variant (also known as c.709G>A), located in coding exon 5 of the CHEK2 gene, results from a G to A substitution at nucleotide position 709. The alanine at codon 237 is replaced by threonine, an amino acid with similar properties. This amino acid position is highly conserved in available vertebrate species. In addition, the in silico prediction for this alteration is inconclusive. Since supporting evidence is limited at this time, the clinical significance of this alteration remains unclear.

Labcorp Genetics (formerly Invitae), Labcorp
Classification: Uncertain significance for Familial cancer of breast. Last evaluated: 2025-10-29. Review status: criteria provided, single submitter. Criteria: Invitae Variant Classification Sherloc (09022015). Collection method: clinical testing. Allele origin: germline.
Comment: This sequence change replaces alanine, which is neutral and non-polar, with threonine, which is neutral and polar, at codon 237 of the CHEK2 protein (p.Ala237Thr). This variant is present in population databases (no rsID available, gnomAD 0.0009%). This variant has not been reported in the literature in individuals affected with CHEK2-related conditions. ClinVar contains an entry for this variant (Variation ID: 479569). An algorithm developed to predict the effect of missense changes on protein structure and function (PolyPhen-2) suggests that this variant is likely to be disruptive. In summary, the available evidence is currently insufficient to determine the role of this variant in disease. Therefore, it has been classified as a Variant of Uncertain Significance.

NM_007194.4(CHEK2):c.709G>A (p.Ala237Thr)

Gene: CHEK2 (checkpoint kinase 2; minus strand). Cytogenetic location: 22q12.1.
Variant type: single nucleotide variant.
Coding change: c.709G>A on transcript NM_007194.4 (MANE Select); coding-DNA position 709, G replaced by A.
Protein change: p.Ala237Thr; replaces alanine 237 with threonine.
Molecular consequence: missense variant.
Genome position (GRCh38, 1-based): chr22:28,711,992, C>T on the plus strand (G>A on the coding strand, the complement: CHEK2 is on the minus strand). VCF-style: chr22-28711992-C-T. GRCh37 (hg19) VCF-style: chr22-29107980-C-T.
Other names: c.838G>A, p.Ala280Thr (NM_001005735.3); c.46G>A, p.Ala16Thr (NM_001257387.3); c.508G>A, p.Ala170Thr (NM_001349956.3); c.709G>A, p.Ala237Thr (NM_145862.3); short protein forms A237T, A280T, A170T, A16T.
Identifiers: ClinVar variation 479569 (VCV000479569.7), dbSNP rs1179425981, ClinGen allele CA411103422.